The following is an entry in ClinVar:

ClinVar aggregate classification (germline): Uncertain significance (1 of 4 stars; one submission).

Submission:

Labcorp Genetics (formerly Invitae), Labcorp
Classification: Uncertain significance. Last evaluated: 2019-10-31. Review status: criteria provided, single submitter. Criteria: Invitae Variant Classification Sherloc (09022015). Collection method: clinical testing. Allele origin: germline.
Comment: This variant has not been reported in the literature in individuals with SPTBN2-related conditions. In summary, the available evidence is currently insufficient to determine the role of this variant in disease. Therefore, it has been classified as a Variant of Uncertain Significance. Algorithms developed to predict the effect of missense changes on protein structure and function (SIFT, PolyPhen-2, Align-GVGD) all suggest that this variant is likely to be tolerated, but these predictions have not been confirmed by published functional studies and their clinical significance is uncertain. This variant is not present in population databases (ExAC no frequency). This sequence change replaces valine with alanine at codon 2268 of the SPTBN2 protein (p.Val2268Ala). The valine residue is moderately conserved and there is a small physicochemical difference between valine and alanine.

NM_006946.4(SPTBN2):c.6803T>C (p.Val2268Ala)

Gene: SPTBN2 (spectrin beta, non-erythrocytic 2; minus strand). Cytogenetic location: 11q13.2.
Variant type: single nucleotide variant.
Coding change: c.6803T>C on transcript NM_006946.4 (MANE Select); coding-DNA position 6803, T replaced by C.
Protein change: p.Val2268Ala; replaces valine 2268 with alanine.
Molecular consequence: missense variant.
Genome position (GRCh38, 1-based): chr11:66,687,087, A>G on the plus strand (T>C on the coding strand, the complement: SPTBN2 is on the minus strand). VCF-style: chr11-66687087-A-G. GRCh37 (hg19) VCF-style: chr11-66454558-A-G.
Other names: short protein forms V2268A.
Identifiers: ClinVar variation 934191 (VCV000934191.9), dbSNP rs767774651, ClinGen allele CA381455026.